The following is an entry in ClinVar:

ClinVar aggregate classification (germline): Uncertain significance (1 of 4 stars; one submission).

Allele frequency attached by ClinVar (database versions not stated): gnomAD exomes below 0.00001 and 0.00001.
gnomAD v4.1: 10 of 1,613,124 alleles (0.00062%); highest among the groups gnomAD compares: Non-Finnish European, 0.00085%; no homozygotes.

Submission:

Labcorp Genetics (formerly Invitae), Labcorp
Classification: Uncertain significance. Last evaluated: 2022-07-19. Review status: criteria provided, single submitter. Criteria: Invitae Variant Classification Sherloc (09022015). Collection method: clinical testing. Allele origin: germline.
Comment: In summary, the available evidence is currently insufficient to determine the role of this variant in disease. Therefore, it has been classified as a Variant of Uncertain Significance. Algorithms developed to predict the effect of missense changes on protein structure and function (SIFT, PolyPhen-2, Align-GVGD) all suggest that this variant is likely to be tolerated. ClinVar contains an entry for this variant (Variation ID: 1520448). This variant has not been reported in the literature in individuals affected with RAI1-related conditions. This variant is present in population databases (no rsID available, gnomAD 0.006%). This sequence change replaces glycine, which is neutral and non-polar, with glutamic acid, which is acidic and polar, at codon 1439 of the RAI1 protein (p.Gly1439Glu).

NM_030665.4(RAI1):c.4316G>A (p.Gly1439Glu)

Gene: RAI1 (retinoic acid induced 1; plus strand). Cytogenetic location: 17p11.2.
Variant type: single nucleotide variant.
Coding change: c.4316G>A on transcript NM_030665.4 (MANE Select); coding-DNA position 4316, G replaced by A.
Protein change: p.Gly1439Glu; replaces glycine 1439 with glutamic acid.
Molecular consequence: missense variant.
Genome position (GRCh38, 1-based): chr17:17,797,264, G>A. VCF-style: chr17-17797264-G-A. GRCh37 (hg19) VCF-style: chr17-17700578-G-A.
Other names: short protein forms G1439E.
Identifiers: ClinVar variation 1520448 (VCV001520448.6), dbSNP rs1273270990, ClinGen allele CA398556363.
Genomic context (GRCh38, chr17:17,797,264, plus strand): 5'-CTTCTACTGACTGTTTCAAAACCGAGGCCTTCACATCCCCGGAGGCCCTGCAGCCTGGGG[G>A]GACTGCCCTGGCGCCTAAGAAGAGGAGCCGGAAAGGCCGGGCAGGGGCCCATGGACTCTC-3'
Protein context (NP_109590.3, residues 1429-1449): FTSPEALQPG[Gly1439Glu]TALAPKKRSR